The following is an entry in ClinVar:

ClinVar aggregate classification (germline): Uncertain significance. Review status: criteria provided, multiple submitters, no conflicts (2 of 4 stars). 2 submissions from 2 submitters: Uncertain significance (2). Last evaluated 2025-04-02.

Conditions:
Familial thoracic aortic aneurysm and aortic dissection (TAAD). Also called: Thoracic aortic aneurysms and dissections. Identifiers: Orphanet 91387, MedGen C4707243, MONDO:0019625.

Allele frequency attached by ClinVar (database versions not stated): gnomAD exomes below 0.00001.
gnomAD v4.1: 1 of 1,211,421 alleles (0.000083%); highest among the groups gnomAD compares: East Asian, 0.003%; no homozygotes.

Submissions (2):

Ambry Genetics
Classification: Uncertain significance for Familial thoracic aortic aneurysm and aortic dissection. Last evaluated: 2025-04-02. Review status: criteria provided, single submitter. Criteria: Ambry Variant Classification Scheme 2023. Collection method: clinical testing. Allele origin: germline.
Comment: The p.D698Y variant (also known as c.2092G>T), located in coding exon 13 of the FLNA gene, results from a G to T substitution at nucleotide position 2092. The aspartic acid at codon 698 is replaced by tyrosine, an amino acid with highly dissimilar properties. This amino acid position is well conserved in available vertebrate species. In addition, this alteration is predicted to be deleterious by in silico analysis. Based on the available evidence, the clinical significance of this variant remains unclear.

ARUP Laboratories, Molecular Genetics and Genomics, ARUP Laboratories
Classification: Uncertain significance. Last evaluated: 2020-07-21. Review status: criteria provided, single submitter. Criteria: ARUP Molecular Germline Variant Investigation Process. Collection method: clinical testing. Allele origin: germline.
Comment: The FLNA c.2092G>T; p.Asp698Tyr variant, to our knowledge, is not reported in the medical literature or gene specific databases. This variant is also absent from general population databases (Exome Variant Server, Genome Aggregation Database), indicating it is not a common polymorphism. The aspartic acid at codon 698 is highly conserved, and computational analyses (SIFT: tolerated, PolyPhen-2: probably damaging) predict conflicting effects of this variant on protein structure/function. Due to limited information, the clinical significance of the p.Asp698Tyr variant is uncertain at this time.

NM_001110556.2(FLNA):c.2092G>T (p.Asp698Tyr)

Gene: FLNA (filamin A; minus strand). Cytogenetic location: Xq28.
Variant type: single nucleotide variant.
Coding change: c.2092G>T on transcript NM_001110556.2 (MANE Select); coding-DNA position 2092, G replaced by T.
Protein change: p.Asp698Tyr; replaces aspartic acid 698 with tyrosine.
Molecular consequence: missense variant.
Genome position (GRCh38, 1-based): chrX:154,364,303, C>A on the plus strand (G>T on the coding strand, the complement: FLNA is on the minus strand). VCF-style: chrX-154364303-C-A. GRCh37 (hg19) VCF-style: chrX-153592671-C-A.
Other names: c.2092G>T (NM_001456.3); c.2092G>T, p.Asp698Tyr (NM_001456.4); short protein forms D698Y.
Identifiers: ClinVar variation 993571 (VCV000993571.9), dbSNP rs2067738279, ClinGen allele CA415238566.